The following is an entry in ClinVar:

ClinVar aggregate classification (germline): Pathogenic (1 of 4 stars; one submission).

Conditions:
Glutaric acidemia type 2C.

Submission:

Natera, Inc.
Classification: Pathogenic for Glutaric acidemia type 2C. Last evaluated: 2025-04-28. Review status: criteria provided, single submitter. Criteria: Natera Variant Classification Schema (03/2026). Collection method: clinical testing. Allele origin: germline.
Comment: The c.831+1del variant in ETFDH is a canonical splice donor site variant predicted to affect pre-mRNA splicing, which may result in an abnormal transcript and altered protein product. This variant is expected to result in nonsense mediated decay, truncation, or a dysfunctional protein product. This variant is rare in the general population with a frequency below the threshold expected for the associated phenotype(s). Another variant at this same site results in an alteration predicted to cause a similar molecular effect has been observed in individual(s) with the associated phenotype. Given the available evidence, this variant is classified as Pathogenic.

NM_004453.4(ETFDH):c.831+1del

Gene: ETFDH (electron transfer flavoprotein dehydrogenase; plus strand). Cytogenetic location: 4q32.1.
Variant type: Deletion.
Coding change: c.831+1del on transcript NM_004453.4 (MANE Select); the canonical splice donor site of the intron after coding-DNA position 831, one base deleted (G; older notation c.831+1delG).
Molecular consequence: splice donor variant.
Genome position (GRCh38, 1-based): chr4:158,695,644, G deleted; the last of 2 consecutive G bases (chr4:158,695,643-158,695,644); deleting either gives the same sequence. VCF-style (leftmost placement, unchanged base first): chr4-158695642-AG-A. GRCh37 (hg19) VCF-style: chr4-159616794-AG-A.
Other names: c.648+1del (NM_001281738.1); c.690+1del (NM_001281737.2).
Identifiers: ClinVar variation 4815354 (VCV004815354.1).
Genomic context (GRCh38, chr4:158,695,642, plus strand): 5'-ATAAGAAGTTTGATTTGAGAGCAAATTGTGAACCTCAAACCTACGGGATTGGACTGAAGG[AG>A]GTATCCTGGTTTGTTTCTGTAATTTTAATTTTGAAAGATGGAATTTAAATTTATTTGTAT-3'